The following is an entry in ClinVar:

NM_006939.4(SOS2):c.3172C>T (p.Pro1058Ser)

Gene: SOS2 (SOS Ras/Rho guanine nucleotide exchange factor 2; minus strand). Cytogenetic location: 14q21.3.
Variant type: single nucleotide variant.
Coding change: c.3172C>T on transcript NM_006939.4 (MANE Select); coding-DNA position 3172, C replaced by T.
Protein change: p.Pro1058Ser; replaces proline 1058 with serine.
Molecular consequence: missense variant.
Genome position (GRCh38, 1-based): chr14:50,130,666, G>A on the plus strand (C>T on the coding strand, the complement: SOS2 is on the minus strand). VCF-style: chr14-50130666-G-A. GRCh37 (hg19) VCF-style: chr14-50597384-G-A.
Other names: short protein forms P1058S.
Identifiers: ClinVar variation 946232 (VCV000946232.9), dbSNP rs753668226, ClinGen allele CA7176860.

ClinVar aggregate classification (germline): Uncertain significance (1 of 4 stars; one submission).

Conditions:
Noonan syndrome 9 (NS9). Identifiers: Orphanet 648, MedGen C4225282, MONDO:0014691, OMIM 616559.

Allele frequency attached by ClinVar (database versions not stated): ExAC 0.00001.

Submission:

Labcorp Genetics (formerly Invitae), Labcorp
Classification: Uncertain significance for Noonan syndrome 9. Last evaluated: 2024-03-02. Review status: criteria provided, single submitter. Criteria: Invitae Variant Classification Sherloc (09022015). Collection method: clinical testing. Allele origin: germline.
Comment: This sequence change replaces proline, which is neutral and non-polar, with serine, which is neutral and polar, at codon 1058 of the SOS2 protein (p.Pro1058Ser). This variant is not present in population databases (gnomAD no frequency). This variant has not been reported in the literature in individuals affected with SOS2-related conditions. ClinVar contains an entry for this variant (Variation ID: 946232). Advanced modeling of protein sequence and biophysical properties (such as structural, functional, and spatial information, amino acid conservation, physicochemical variation, residue mobility, and thermodynamic stability) performed at Invitae indicates that this missense variant is not expected to disrupt SOS2 protein function with a negative predictive value of 95%. In summary, the available evidence is currently insufficient to determine the role of this variant in disease. Therefore, it has been classified as a Variant of Uncertain Significance.